The following is an entry in ClinVar:

NM_022489.4(INF2):c.2238A>C (p.Glu746Asp)

Gene: INF2 (inverted formin 2; plus strand). Cytogenetic location: 14q32.33.
Variant type: single nucleotide variant.
Coding change: c.2238A>C on transcript NM_022489.4 (MANE Select); coding-DNA position 2238, A replaced by C.
Protein change: p.Glu746Asp; replaces glutamic acid 746 with aspartic acid.
Molecular consequence: missense variant.
Genome position (GRCh38, 1-based): chr14:104,710,187, A>C. VCF-style: chr14-104710187-A-C. GRCh37 (hg19) VCF-style: chr14-105176524-A-C.
Other names: c.2238A>C, p.Glu746Asp (NM_001031714.4, NM_001426862.1, NM_001426863.1 and 2 more transcripts); c.2238A>C (NM_022489.3); short protein forms E746D.
Identifiers: ClinVar variation 2922873 (VCV002922873.4), dbSNP rs535377683, ClinGen allele CA7372862.
Genomic context (GRCh38, chr14:104,710,187, plus strand): 5'-CGCGGCCGCCGTGCTGGACATGGTGCGGCCCAAGGCCCAGCTGGTGCTGGCTGCCTGCGA[A>C]AGTGAGTGGGGCCAAGCGGGGCACGTGTGCAGGAGGGACAGGCCTCCGAACCGGGGCGGG-3'
Protein context (NP_071934.3, residues 736-756): PKAQLVLAAC[Glu746Asp]SLLTSRQLPI

ClinVar aggregate classification (germline): Uncertain significance. Review status: criteria provided, multiple submitters, no conflicts (2 of 4 stars). 2 submissions from 2 submitters: Uncertain significance (2). Last evaluated 2026-07-19.

Conditions:
Focal segmental glomerulosclerosis 5 (FSGS5). Identifiers: Orphanet 656, MedGen C2750475, MONDO:0013191, OMIM 613237.
Charcot-Marie-Tooth disease dominant intermediate E. Also called: CHARCOT-MARIE-TOOTH NEUROPATHY WITH FOCAL SEGMENTAL GLOMERULONEPHRITIS. Identifiers: Orphanet 93114, MedGen C4302667, MONDO:0013758, OMIM 614455.
INF2-related disorder. Also called: INF2-related condition.

Allele frequency attached by ClinVar (database versions not stated): TOPMed 0.00001; gnomAD 0.00002; gnomAD exomes 0.00002; 1000 Genomes Project 30x 0.00016; 1000 Genomes Project 0.00020.
gnomAD v4.1: 15 of 1,546,476 alleles (0.00097%); highest among the groups gnomAD compares: East Asian, 0.037%; no homozygotes.

Submissions (2):

PreventionGenetics, part of Exact Sciences
Classification: Uncertain significance for INF2-related condition. Last evaluated: 2026-07-19. Review status: criteria provided, single submitter. Criteria: ACMG Guidelines, 2015. Collection method: clinical testing. Allele origin: germline.
Comment: The INF2 c.2238A>C variant is predicted to result in the amino acid substitution p.Glu746Asp. This variant has been reported in an individual with chronic glomerulonephritis (Table S3, Rao et al. 2019. PubMed ID: 31328266). This variant is reported in 0.032% of alleles in individuals of East Asian descent in gnomAD. At this time, the clinical significance of this variant is uncertain due to the absence of conclusive functional and genetic evidence.

Labcorp Genetics (formerly Invitae), Labcorp
Classification: Uncertain significance for Charcot-Marie-Tooth disease dominant intermediate E; Focal segmental glomerulosclerosis 5. Last evaluated: 2023-12-28. Review status: criteria provided, single submitter. Criteria: Invitae Variant Classification Sherloc (09022015). Collection method: clinical testing. Allele origin: germline.
Comment: This sequence change replaces glutamic acid, which is acidic and polar, with aspartic acid, which is acidic and polar, at codon 746 of the INF2 protein (p.Glu746Asp). The frequency data for this variant in the population databases is considered unreliable, as metrics indicate poor data quality at this position in the gnomAD database. This missense change has been observed in individual(s) with chronic glomerulonephritis (PMID: 31328266). Algorithms developed to predict the effect of missense changes on protein structure and function output the following: SIFT: "Not Available"; PolyPhen-2: "Not Available"; Align-GVGD: "Not Available". The aspartic acid amino acid residue is found in multiple mammalian species, which suggests that this missense change does not adversely affect protein function. In summary, the available evidence is currently insufficient to determine the role of this variant in disease. Therefore, it has been classified as a Variant of Uncertain Significance.

Literature cited by the submitters: PubMed 31328266 (cited by Labcorp Genetics (formerly Invitae), Labcorp).